The following is an entry in ClinVar:

ClinVar aggregate classification (germline): Uncertain significance (1 of 4 stars; one submission).

Conditions:
Familial focal epilepsy with variable foci (FPEVF). Identifiers: Orphanet 98820, MedGen C1858477, MONDO:0020310.

Submission:

Labcorp Genetics (formerly Invitae), Labcorp
Classification: Uncertain significance for Familial focal epilepsy with variable foci. Last evaluated: 2024-04-09. Review status: criteria provided, single submitter. Criteria: Invitae Variant Classification Sherloc (09022015). Collection method: clinical testing. Allele origin: germline.
Comment: This sequence change replaces alanine, which is neutral and non-polar, with serine, which is neutral and polar, at codon 1409 of the DEPDC5 protein (p.Ala1409Ser). This variant is not present in population databases (gnomAD no frequency). This variant has not been reported in the literature in individuals affected with DEPDC5-related conditions. Experimental studies and prediction algorithms are not available or were not evaluated, and the functional significance of this variant is currently unknown. In summary, the available evidence is currently insufficient to determine the role of this variant in disease. Therefore, it has been classified as a Variant of Uncertain Significance.

NM_001242896.3(DEPDC5):c.4225G>T (p.Ala1409Ser)

Gene: DEPDC5 (DEP domain containing 5, GATOR1 subcomplex subunit; plus strand). Cytogenetic location: 22q12.3.
Variant type: single nucleotide variant.
Coding change: c.4225G>T on transcript NM_001242896.3 (MANE Select); coding-DNA position 4225, G replaced by T.
Protein change: p.Ala1409Ser; replaces alanine 1409 with serine.
Molecular consequence: missense variant. On other transcripts: non-coding transcript variant (5).
Genome position (GRCh38, 1-based): chr22:31,897,503, G>T. VCF-style: chr22-31897503-G-T. GRCh37 (hg19) VCF-style: chr22-32293489-G-T.
Other names: c.4198G>T, p.Ala1400Ser (NM_001136029.4); c.3925G>T, p.Ala1309Ser (NM_001242897.2); c.4159G>T, p.Ala1387Ser (NM_001363852.2, NM_001364320.2); c.3991G>T, p.Ala1331Ser (NM_001363854.2, NM_001364319.2); c.4225G>T, p.Ala1409Ser (NM_001364318.2); c.4141G>T, p.Ala1381Ser (NM_001369901.1, NM_001369902.1); c.4132G>T, p.Ala1378Ser (NM_001369903.1, NM_014662.6); short protein forms A1309S, A1381S, A1387S, A1400S, A1331S, A1378S, A1409S.
Identifiers: ClinVar variation 3688837 (VCV003688837.2).